The following is an entry in ClinVar:

NM_001367624.2(ZNF469):c.4292G>C (p.Arg1431Thr)

Gene: ZNF469 (zinc finger protein 469; plus strand). Cytogenetic location: 16q24.2.
Variant type: single nucleotide variant.
Coding change: c.4292G>C on transcript NM_001367624.2 (MANE Select); coding-DNA position 4292, G replaced by C.
Protein change: p.Arg1431Thr; replaces arginine 1431 with threonine.
Molecular consequence: missense variant.
Genome position (GRCh38, 1-based): chr16:88,431,762, G>C. VCF-style: chr16-88431762-G-C. GRCh37 (hg19) VCF-style: chr16-88498170-G-C.
Other names: NM_001127464.1:c.4208G>C; short protein forms R1431T.
Identifiers: ClinVar variation 1738701 (VCV001738701.4), dbSNP rs1244391759, ClinGen allele CA397090861.

ClinVar aggregate classification (germline): Uncertain significance. Review status: criteria provided, multiple submitters, no conflicts (2 of 4 stars). 2 submissions from 2 submitters: Uncertain significance (2). Last evaluated 2024-12-24.

Conditions:
Cardiovascular phenotype. Identifiers: MedGen CN230736.

Allele frequency attached by ClinVar (database versions not stated): TOPMed below 0.00001.
gnomAD v4.1: 3 of 1,549,954 alleles (0.00019%); highest among the groups gnomAD compares: Non-Finnish European, 0.00026%; no homozygotes.

Submissions (2):

Women's Health and Genetics/Laboratory Corporation of America, LabCorp
Classification: Uncertain significance. Last evaluated: 2024-12-24. Review status: criteria provided, single submitter. Criteria: LabCorp Variant Classification Summary - May 2015. Collection method: clinical testing. Allele origin: germline.
Comment: Variant summary: ZNF469 c.4292G>C (p.Arg1431Thr) results in a non-conservative amino acid change in the encoded protein sequence. Three of four in-silico tools predict a benign effect of the variant on protein function. The frequency data for this variant in gnomAD is considered unreliable, as metrics indicate poor data quality at this position. To our knowledge, no occurrence of c.4292G>C in individuals affected with Brittle cornea syndrome 1 and no experimental evidence demonstrating its impact on protein function have been reported. ClinVar contains an entry for this variant (Variation ID: 1738701). Based on the evidence outlined above, the variant was classified as uncertain significance.

Ambry Genetics
Classification: Uncertain significance for Cardiovascular phenotype. Last evaluated: 2024-11-30. Review status: criteria provided, single submitter. Criteria: Ambry Variant Classification Scheme 2023. Collection method: clinical testing. Allele origin: germline.
Comment: The p.R1403T variant (also known as c.4208G>C), located in coding exon 2 of the ZNF469 gene, results from a G to C substitution at nucleotide position 4208. The arginine at codon 1403 is replaced by threonine, an amino acid with similar properties. This amino acid position is conserved. In addition, this alteration is predicted to be tolerated by in silico analysis. Since supporting evidence is limited at this time, the clinical significance of this alteration remains unclear.